The following is an entry in ClinVar:

ClinVar aggregate classification (germline): Uncertain significance (1 of 4 stars; one submission).

Conditions:
Smith-Lemli-Opitz syndrome (SLOS). Also called: POLYDACTYLY, SEX REVERSAL, RENAL HYPOPLASIA, AND UNILOBAR LUNG; RSH SYNDROME; RUTLEDGE LETHAL MULTIPLE CONGENITAL ANOMALY SYNDROME; 7-Dehydrocholesterol reductase deficiency; LETHAL ACRODYSGENITAL SYNDROME. Identifiers: Orphanet 818, MedGen C0175694, MONDO:0010035, OMIM 270400.

Submission:

Foundation for Research in Genetics and Endocrinology, FRIGE's Institute of Human Genetics
Classification: Uncertain significance for Smith-Lemli-Opitz syndrome. Last evaluated: 2024-04-29. Review status: criteria provided, single submitter. Criteria: ACMG Guidelines, 2015. Collection method: clinical testing. Allele origin: de novo. Inheritance: Autosomal recessive inheritance. Affected: yes. Observed: 1 homozygote.
Comment: A homozygous missense variant in exon 9 of the DHCR7 gene that results in the amino acid substitution of Proline for Serine at codon 381 (p.Ser381Pro) was detected. The observed variant has not been reported in the 1000 genomes, gnomAD (v3.1), gnomdAD (v2.1) and topmed databases. The in silico prediction of the variant are probably damaging by PolyPhen-2 (HumDiv) and damaging by SIFT. The reference codon is conserved across species. In summary, the variant meets our criteria to be classified as variant of uncertain significance.

NM_001360.3(DHCR7):c.1141T>C (p.Ser381Pro)

Gene: DHCR7 (7-dehydrocholesterol reductase; minus strand). Cytogenetic location: 11q13.4.
Variant type: single nucleotide variant.
Coding change: c.1141T>C on transcript NM_001360.3 (MANE Select); coding-DNA position 1141, T replaced by C.
Protein change: p.Ser381Pro; replaces serine 381 with proline.
Molecular consequence: missense variant. On other transcripts: synonymous variant (2).
Genome position (GRCh38, 1-based): chr11:71,435,662, A>G on the plus strand (T>C on the coding strand, the complement: DHCR7 is on the minus strand). VCF-style: chr11-71435662-A-G. GRCh37 (hg19) VCF-style: chr11-71146708-A-G.
Other names: p.Ser381Pro; c.1141T>C, p.Ser381Pro (NM_001163817.2, NM_001425109.1, NM_001425110.1 and 1 more transcripts); c.1192T>C, p.Ser398Pro (NM_001425107.1); c.1177T>C, p.Ser393Pro (NM_001425108.1); c.1275T>C, p.Ala425= (NM_001425112.1); c.1081T>C, p.Ser361Pro (NM_001425113.1); c.1045T>C, p.Ser349Pro (NM_001425114.1); c.1179T>C, p.Ala393= (NM_001425116.1); and 2 more; short protein forms S323P, S349P, S361P, S381P, S393P, S398P.
Identifiers: ClinVar variation 3233440 (VCV003233440.2), dbSNP rs2539209370, ClinGen allele CA381701850.
Genomic context (GRCh38, chr11:71,435,662, plus strand): 5'-CCCAGAAGCCCGACACCAGCAGCTTGCTGTGGTGCCTCTGCCCATCGGCGGATGTGTAGG[A>G]GCACTCGATGACCTTGGGCTTCCTGCCCCAGATGAGGCAGCGCCCATCCGTGCGGCGGAA-3'
Protein context (NP_001351.2, residues 371-391): WGRKPKVIEC[Ser381Pro]YTSADGQRHH